The following is an entry in ClinVar:

NM_001126128.2(PROK2):c.381C>G (p.Ala127=)

Gene: PROK2 (prokineticin 2; minus strand). Cytogenetic location: 3p13.
Variant type: single nucleotide variant.
Coding change: c.381C>G on transcript NM_001126128.2 (MANE Select); coding-DNA position 381, C replaced by G.
Protein change: p.Ala127=; no amino-acid change (alanine 127 retained).
Molecular consequence: synonymous variant.
Genome position (GRCh38, 1-based): chr3:71,772,733, G>C on the plus strand (C>G on the coding strand, the complement: PROK2 is on the minus strand). VCF-style: chr3-71772733-G-C. GRCh37 (hg19) VCF-style: chr3-71821884-G-C.
Other names: c.318C>G, p.Ala106= (NM_021935.4).
Identifiers: ClinVar variation 3356530 (VCV003356530.1).

ClinVar aggregate classification (germline): Likely benign (0 of 4 stars; one submission).

Conditions:
PROK2-related disorder. Also called: PROK2-related condition.

gnomAD v4.1: 5 of 1,613,480 alleles (0.00031%); highest among the groups gnomAD compares: Non-Finnish European, 0.00042%; no homozygotes.

Submission:

PreventionGenetics, part of Exact Sciences
Classification: Likely benign for PROK2-related condition. Last evaluated: 2023-03-06. Review status: no assertion criteria provided. Collection method: clinical testing. Allele origin: germline.
Comment: This variant is classified as likely benign based on ACMG/AMP sequence variant interpretation guidelines (Richards et al. 2015 PMID: 25741868, with internal and published modifications).